The following is an entry in ClinVar:

NM_000094.4(COL7A1):c.8068C>T (p.Gln2690Ter)

Gene: COL7A1 (collagen type VII alpha 1 chain; minus strand). Cytogenetic location: 3p21.31.
Variant type: single nucleotide variant.
Coding change: c.8068C>T on transcript NM_000094.4 (MANE Select); coding-DNA position 8068, C replaced by T.
Protein change: p.Gln2690Ter; replaces glutamine 2690 with a stop codon.
Molecular consequence: nonsense.
Genome position (GRCh38, 1-based): chr3:48,567,169, G>A on the plus strand (C>T on the coding strand, the complement: COL7A1 is on the minus strand). VCF-style: chr3-48567169-G-A. GRCh37 (hg19) VCF-style: chr3-48604602-G-A.
Other names: short protein forms Q2690*.
Identifiers: ClinVar variation 2891560 (VCV002891560.3), dbSNP rs1362283507, ClinGen allele CA352640671.

ClinVar aggregate classification (germline): Pathogenic (1 of 4 stars; one submission).

Allele frequency attached by ClinVar (database versions not stated): gnomAD exomes below 0.00001.
gnomAD v4.1: 2 of 1,613,948 alleles (0.00012%); highest among the groups gnomAD compares: Non-Finnish European, 0.00017%; no homozygotes.

Submission:

Labcorp Genetics (formerly Invitae), Labcorp
Classification: Pathogenic. Last evaluated: 2023-03-03. Review status: criteria provided, single submitter. Criteria: Invitae Variant Classification Sherloc (09022015). Collection method: clinical testing. Allele origin: germline.
Comment: For these reasons, this variant has been classified as Pathogenic. This variant has not been reported in the literature in individuals affected with COL7A1-related conditions. This variant is present in population databases (no rsID available, gnomAD 0.0009%). This sequence change creates a premature translational stop signal (p.Gln2690*) in the COL7A1 gene. It is expected to result in an absent or disrupted protein product. Loss-of-function variants in COL7A1 are known to be pathogenic (PMID: 16971478).

Literature cited by the submitters: PubMed 16971478.